The following is an entry in ClinVar:

NM_015046.7(SETX):c.7750C>G (p.Leu2584Val)

Gene: SETX (senataxin; minus strand). Cytogenetic location: 9q34.13.
Variant type: single nucleotide variant.
Coding change: c.7750C>G on transcript NM_015046.7 (MANE Select); coding-DNA position 7750, C replaced by G.
Protein change: p.Leu2584Val; replaces leucine 2584 with valine.
Molecular consequence: missense variant.
Genome position (GRCh38, 1-based): chr9:132,264,523, G>C on the plus strand (C>G on the coding strand, the complement: SETX is on the minus strand). VCF-style: chr9-132264523-G-C. GRCh37 (hg19) VCF-style: chr9-135139910-G-C.
Other names: c.7750C>G, p.Leu2584Val (NM_001351527.2); c.7837C>G, p.Leu2613Val (NM_001351528.2); short protein forms L2613V, L2584V.
Identifiers: ClinVar variation 2943592 (VCV002943592.3), dbSNP rs1842537896, ClinGen allele CA375323150.

ClinVar aggregate classification (germline): Uncertain significance (1 of 4 stars; one submission).

Conditions:
Amyotrophic lateral sclerosis type 4 (ALS4). Also called: AMYOTROPHIC LATERAL SCLEROSIS 4, JUVENILE; NEURONOPATHY, DISTAL HEREDITARY MOTOR, WITH PYRAMIDAL FEATURES. Identifiers: Orphanet 357043, MedGen C1865409, MONDO:0011223, OMIM 602433.
Spinocerebellar ataxia, autosomal recessive, with axonal neuropathy 2 (SCAN2). Also called: Ataxia with Oculomotor Apraxia; ATAXIA-OCULOMOTOR APRAXIA 2; Ataxia-ocular apraxia-2; Ataxia with Oculomotor Apraxia Type 2. Identifiers: Orphanet 64753, MedGen C1853761, MONDO:0018996, OMIM 606002.

Allele frequency attached by ClinVar (database versions not stated): gnomAD exomes below 0.00001.
gnomAD v4.1: 2 of 1,613,984 alleles (0.00012%); highest among the groups gnomAD compares: Non-Finnish European, 0.00017%; no homozygotes.

Submission:

Labcorp Genetics (formerly Invitae), Labcorp
Classification: Uncertain significance for Amyotrophic lateral sclerosis type 4; Spinocerebellar ataxia, autosomal recessive, with axonal neuropathy 2. Last evaluated: 2023-07-09. Review status: criteria provided, single submitter. Criteria: Invitae Variant Classification Sherloc (09022015). Collection method: clinical testing. Allele origin: germline.
Comment: In summary, the available evidence is currently insufficient to determine the role of this variant in disease. Therefore, it has been classified as a Variant of Uncertain Significance. Advanced modeling of protein sequence and biophysical properties (such as structural, functional, and spatial information, amino acid conservation, physicochemical variation, residue mobility, and thermodynamic stability) performed at Invitae indicates that this missense variant is not expected to disrupt SETX protein function. This variant has not been reported in the literature in individuals affected with SETX-related conditions. This variant is not present in population databases (gnomAD no frequency). This sequence change replaces leucine, which is neutral and non-polar, with valine, which is neutral and non-polar, at codon 2584 of the SETX protein (p.Leu2584Val).